The following is an entry in ClinVar:

ClinVar aggregate classification (germline): Uncertain significance. Review status: criteria provided, multiple submitters, no conflicts (2 of 4 stars). 2 submissions from 2 submitters: Uncertain significance (2). Last evaluated 2025-08-27.

Conditions:
Inborn genetic diseases. Identifiers: MedGen C0950123, MeSH D030342.

Allele frequency attached by ClinVar (database versions not stated): ExAC 0.00001; gnomAD 0.00001; gnomAD exomes 0.00001; TOPMed 0.00002; ESP Exome Variant Server 0.00008.
gnomAD v4.1: 16 of 1,613,956 alleles (0.00099%); highest among the groups gnomAD compares: Non-Finnish European, 0.0014%; no homozygotes.

Submissions (2):

Ambry Genetics
Classification: Uncertain significance for Inborn genetic diseases. Last evaluated: 2025-08-27. Review status: criteria provided, single submitter. Criteria: Ambry Variant Classification Scheme 2023. Collection method: clinical testing. Allele origin: germline.

Labcorp Genetics (formerly Invitae), Labcorp
Classification: Uncertain significance. Last evaluated: 2022-03-26. Review status: criteria provided, single submitter. Criteria: Invitae Variant Classification Sherloc (09022015). Collection method: clinical testing. Allele origin: germline.
Comment: In summary, the available evidence is currently insufficient to determine the role of this variant in disease. Therefore, it has been classified as a Variant of Uncertain Significance. Algorithms developed to predict the effect of missense changes on protein structure and function are either unavailable or do not agree on the potential impact of this missense change (SIFT: "Deleterious"; PolyPhen-2: "Possibly Damaging"; Align-GVGD: "Class C0"). This variant has not been reported in the literature in individuals affected with DNASE1L3-related conditions. This variant is present in population databases (rs370020945, gnomAD 0.002%). This sequence change replaces leucine, which is neutral and non-polar, with histidine, which is basic and polar, at codon 12 of the DNASE1L3 protein (p.Leu12His).

NM_004944.4(DNASE1L3):c.35T>A (p.Leu12His)

Gene: DNASE1L3 (deoxyribonuclease 1L3; minus strand). Cytogenetic location: 3p14.3.
Variant type: single nucleotide variant.
Coding change: c.35T>A on transcript NM_004944.4 (MANE Select); coding-DNA position 35, T replaced by A.
Protein change: p.Leu12His; replaces leucine 12 with histidine.
Molecular consequence: missense variant.
Genome position (GRCh38, 1-based): chr3:58,210,872, A>T on the plus strand (T>A on the coding strand, the complement: DNASE1L3 is on the minus strand). VCF-style: chr3-58210872-A-T. GRCh37 (hg19) VCF-style: chr3-58196599-A-T.
Other names: c.35T>A (NM_004944.2); c.35T>A, p.Leu12His (NM_001256560.2); short protein forms L12H.
Identifiers: ClinVar variation 1486155 (VCV001486155.7), dbSNP rs370020945, ClinGen allele CA2470148.
Genomic context (GRCh38, chr3:58,210,872, plus strand): 5'-CCAAAGGACCTGACGTTGAAGGAGCAGATCCTCATGGCCAGGGCGCTGTGGATGGAGAGG[A>T]GGAGAAGCAGCAGTGGGGCCAGCTCCCGTGACATCCTGGCGCTGCTCTGGCTTCAAGACT-3'
Protein context (NP_004935.1, residues 2-22): SRELAPLLLL[Leu12His]LSIHSALAMR